The following is an entry in ClinVar:

ClinVar aggregate classification (germline): Uncertain significance (1 of 4 stars; one submission).

Conditions:
Gorlin syndrome. Also called: Nevoid Basal Cell Carcinoma Syndrome; Basal cell nevus syndrome. Identifiers: Orphanet 377, MedGen C0004779, MONDO:0007187.

Submission:

Labcorp Genetics (formerly Invitae), Labcorp
Classification: Uncertain significance for Gorlin syndrome. Last evaluated: 2023-08-14. Review status: criteria provided, single submitter. Criteria: Invitae Variant Classification Sherloc (09022015). Collection method: clinical testing. Allele origin: germline.
Comment: Advanced modeling of protein sequence and biophysical properties (such as structural, functional, and spatial information, amino acid conservation, physicochemical variation, residue mobility, and thermodynamic stability) performed at Invitae indicates that this missense variant is not expected to disrupt PTCH1 protein function. In summary, the available evidence is currently insufficient to determine the role of this variant in disease. Therefore, it has been classified as a Variant of Uncertain Significance. This variant has not been reported in the literature in individuals affected with PTCH1-related conditions. This sequence change replaces arginine, which is basic and polar, with glycine, which is neutral and non-polar, at codon 459 of the PTCH1 protein (p.Arg459Gly). This variant is not present in population databases (gnomAD no frequency).

NM_000264.5(PTCH1):c.1375C>G (p.Arg459Gly)

Gene: PTCH1 (patched 1; minus strand). Cytogenetic location: 9q22.32.
Variant type: single nucleotide variant.
Coding change: c.1375C>G on transcript NM_000264.5 (MANE Select); coding-DNA position 1375, C replaced by G.
Protein change: p.Arg459Gly; replaces arginine 459 with glycine.
Molecular consequence: missense variant. On other transcripts: non-coding transcript variant (1), intron variant (1).
Genome position (GRCh38, 1-based): chr9:95,477,675, G>C on the plus strand (C>G on the coding strand, the complement: PTCH1 is on the minus strand). VCF-style: chr9-95477675-G-C. GRCh37 (hg19) VCF-style: chr9-98239957-G-C.
Other names: c.1177C>G, p.Arg393Gly (NM_001083602.3); c.1372C>G, p.Arg458Gly (NM_001083603.3); c.922C>G, p.Arg308Gly (NM_001083604.3, NM_001083605.3, NM_001083606.3 and 1 more transcripts); c.1347+380C>G (NM_001354918.2); short protein forms R459G, R393G, R458G, R308G.
Identifiers: ClinVar variation 2752468 (VCV002752468.3), dbSNP rs779885444, ClinGen allele CA374118628.